The following is an entry in ClinVar:

ClinVar aggregate classification (germline): Likely benign. Review status: criteria provided, multiple submitters, no conflicts (2 of 4 stars). 3 submissions from 3 submitters: Likely benign (3). Last evaluated 2025-04-09.

Conditions:
Marfan syndrome (MFS). Also called: Marfan syndrome, classic; Marfan syndrome type 1; Marfan's syndrome; MARFAN SYNDROME, TYPE I; FBN1-Related Marfan Syndrome. Identifiers: Orphanet 284963, Orphanet 558, MedGen C0024796, MONDO:0007947, OMIM 154700.
Familial thoracic aortic aneurysm and aortic dissection (TAAD). Also called: Thoracic aortic aneurysms and dissections. Identifiers: Orphanet 91387, MedGen C4707243, MONDO:0019625.

Allele frequency attached by ClinVar (database versions not stated): gnomAD exomes below 0.00001; gnomAD 0.00001; TOPMed below 0.00001.
gnomAD v4.1: 2 of 1,613,230 alleles (0.00012%); highest among the groups gnomAD compares: Admixed American, 0.0017%; no homozygotes.

Submissions (3):

Color Diagnostics, LLC DBA Color Health
Classification: Likely benign for Familial thoracic aortic aneurysm and aortic dissection. Last evaluated: 2025-04-09. Review status: criteria provided, single submitter. Criteria: ACMG Guidelines, 2015. Collection method: clinical testing. Allele origin: germline.

Labcorp Genetics (formerly Invitae), Labcorp
Classification: Likely benign for Marfan syndrome; Familial thoracic aortic aneurysm and aortic dissection. Last evaluated: 2022-05-20. Review status: criteria provided, single submitter. Criteria: Invitae Variant Classification Sherloc (09022015). Collection method: clinical testing. Allele origin: germline.

GeneDx
Classification: Likely benign. Last evaluated: 2015-12-08. Review status: criteria provided, single submitter. Criteria: GeneDx Variant Classification (06012015). Collection method: clinical testing. Allele origin: germline. Affected: yes.
Comment: This variant is considered likely benign or benign based on one or more of the following criteria: it is a conservative change, it occurs at a poorly conserved position in the protein, it is predicted to be benign by multiple in silico algorithms, and/or has population frequency not consistent with disease.

NM_000138.5(FBN1):c.1715-12T>C

Gene: FBN1 (fibrillin 1; minus strand). Cytogenetic location: 15q21.1.
Variant type: single nucleotide variant.
Coding change: c.1715-12T>C on transcript NM_000138.5 (MANE Select); 12 bases into the intron before coding-DNA position 1715, T replaced by C.
Molecular consequence: intron variant.
Genome position (GRCh38, 1-based): chr15:48,508,716, A>G on the plus strand (T>C on the coding strand, the complement: FBN1 is on the minus strand). VCF-style: chr15-48508716-A-G. GRCh37 (hg19) VCF-style: chr15-48800913-A-G.
Identifiers: ClinVar variation 382172 (VCV000382172.6), dbSNP rs1057521270, ClinGen allele CA16606730.